The following is an entry in ClinVar:

NM_001130438.3(SPTAN1):c.505-4A>G

Gene: SPTAN1 (spectrin alpha, non-erythrocytic 1; plus strand). Cytogenetic location: 9q34.11.
Variant type: single nucleotide variant.
Coding change: c.505-4A>G on transcript NM_001130438.3 (MANE Select); 4 bases into the intron before coding-DNA position 505, A replaced by G.
Molecular consequence: intron variant.
Genome position (GRCh38, 1-based): chr9:128,575,195, A>G. VCF-style: chr9-128575195-A-G. GRCh37 (hg19) VCF-style: chr9-131337474-A-G.
Other names: c.541-4A>G (NM_001375318.1, NM_001375312.2); c.505-4A>G (NM_001375311.2, NM_001375314.2, NM_001375310.1 and 5 more transcripts).
Identifiers: ClinVar variation 1511993 (VCV001511993.7), dbSNP rs377129746, ClinGen allele CA2573143889.

ClinVar aggregate classification (germline): Uncertain significance (1 of 4 stars; one submission).

Conditions:
Early-infantile DEE. Also called: Early infantile epileptic encephalopathy; Early infantile epileptic encephalopathy with suppression bursts; Ohtahara syndrome. Identifiers: Orphanet 1934, MedGen C0393706, MONDO:0800491.

Submission:

Labcorp Genetics (formerly Invitae), Labcorp
Classification: Uncertain significance for Early-infantile DEE. Last evaluated: 2021-09-20. Review status: criteria provided, single submitter. Criteria: Invitae Variant Classification Sherloc (09022015). Collection method: clinical testing. Allele origin: germline.
Comment: This variant is not present in population databases (ExAC no frequency). In summary, the available evidence is currently insufficient to determine the role of this variant in disease. Therefore, it has been classified as a Variant of Uncertain Significance. Algorithms developed to predict the effect of sequence changes on RNA splicing suggest that this variant may disrupt the consensus splice site. This variant has not been reported in the literature in individuals affected with SPTAN1-related conditions. This sequence change falls in intron 4 of the SPTAN1 gene. It does not directly change the encoded amino acid sequence of the SPTAN1 protein.